The following is an entry in ClinVar:

NM_024721.5(ZFHX4):c.6793C>T (p.Leu2265=)

Gene: ZFHX4 (zinc finger homeobox 4; plus strand). Cytogenetic location: 8q21.13.
Variant type: single nucleotide variant.
Coding change: c.6793C>T on transcript NM_024721.5 (MANE Select); coding-DNA position 6793, C replaced by T.
Protein change: p.Leu2265=; no amino-acid change (leucine 2265 retained).
Molecular consequence: synonymous variant.
Genome position (GRCh38, 1-based): chr8:76,853,714, C>T. VCF-style: chr8-76853714-C-T. GRCh37 (hg19) VCF-style: chr8-77765950-C-T.
Other names: c.6715C>T, p.Leu2239= (NM_001410934.1).
Identifiers: ClinVar variation 3056770 (VCV003056770.3), dbSNP rs150644855, ClinGen allele CA4787872.
Genomic context (GRCh38, chr8:76,853,714, plus strand): 5'-TTTGACACAAACGCTTACCCAAAAGATGATGAAATAGAACAACTCTCCACTGTTCTCAAT[C>T]TGCCTACCCGGGTTATTGTTGTATGGTTCCAGAATGCTCGTCAGAAAGCACGAAAGAGTT-3'
Protein context (NP_078997.4, residues 2255-2275): EIEQLSTVLN[Leu2265=]PTRVIVVWFQ

ClinVar aggregate classification (germline): Likely benign. Review status: criteria provided, single submitter (1 of 4 stars). 2 submissions from 2 submitters: Likely benign (1). 1 of the submissions does not count toward it. Last evaluated 2024-10-08.

Conditions:
ZFHX4-related disorder. Also called: ZFHX4-related condition.

Allele frequency attached by ClinVar (database versions not stated): ESP Exome Variant Server 0.00025; gnomAD exomes 0.00064; gnomAD 0.00101; TOPMed 0.00124; ExAC 0.00139; 1000 Genomes Project 30x 0.00375; 1000 Genomes Project 0.00399.
gnomAD v4.1: 1,073 of 1,613,750 alleles (0.066%); highest among the groups gnomAD compares: East Asian, 1.9%; 11 homozygotes.

Submissions (2):

Blueprint Genetics
Classification: Likely benign. Last evaluated: 2024-10-08. Review status: criteria provided, single submitter. Criteria: ACMG Guidelines, 2015. Collection method: clinical testing. Allele origin: germline.

PreventionGenetics, part of Exact Sciences
Classification: Benign for ZFHX4-related condition. Last evaluated: 2019-08-07. Review status: no assertion criteria provided. Collection method: clinical testing. Allele origin: germline. Not counted in ClinVar's aggregate classification.
Comment: This variant is classified as benign based on ACMG/AMP sequence variant interpretation guidelines (Richards et al. 2015 PMID: 25741868, with internal and published modifications).